The following is an entry in ClinVar:

NM_005996.4(TBX3):c.1207del (p.Arg403fs)

Gene: TBX3 (T-box transcription factor 3; minus strand). Cytogenetic location: 12q24.21.
Variant type: Deletion.
Coding change: c.1207del on transcript NM_005996.4 (MANE Select); coding-DNA position 1207, one base deleted (C; older notation c.1207delC).
Protein change: p.Arg403fs; shifts the reading frame from arginine 403.
Molecular consequence: frameshift variant.
Genome position (GRCh38, 1-based): chr12:114,674,668, G deleted on the plus strand (C on the coding strand, the reverse complement: TBX3 is on the minus strand); the first of 4 consecutive G bases (chr12:114,674,668-114,674,671); deleting any one gives the same sequence. VCF-style (leftmost placement, unchanged base first): chr12-114674667-CG-C. GRCh37 (hg19) VCF-style: chr12-115112472-CG-C.
Other names: c.1267del, p.Arg423fs (NM_016569.4); short protein forms R403fs, R423fs.
Identifiers: ClinVar variation 3777086 (VCV003777086.1).

ClinVar aggregate classification (germline): Likely pathogenic (1 of 4 stars; one submission).

Conditions:
Ulnar-mammary syndrome (UMS). Also called: SCHINZEL SYNDROME; Ulnar-mammary syndrome of Pallister; PALLISTER ULNAR-MAMMARY SYNDROME. Identifiers: Orphanet 3138, MedGen C1866994, MONDO:0008411, OMIM 181450.

Submission:

University of Washington Department of Laboratory Medicine, University of Washington
Classification: Likely pathogenic for Ulnar-mammary syndrome. Last evaluated: 2023-12-05. Review status: criteria provided, single submitter. Criteria: ACMG Guidelines, 2015. Collection method: clinical testing. Allele origin: paternal. Affected: yes.
Comment: The p.Arg403Glyfs*209 variant in the TBX3 gene has not been previously reported in association with disease. This variant has been identified in 2/1455186 chromosomes by the Genome Aggregation Database. Although this variant has been seen in the general population, its frequency is low enough to be consistent with the reported variable expressivity of the condition. The p.Arg403Glyfs*209 variant results in a 1bp deletion in exon 6 of 7 exons, which causes a shift in the protein reading frame, leading to a premature termination codon 209 amino acids downstream. Nonsense-mediated decay resulting in an absent protein is predicted with this variant. These predictions have not been tested directly. Disease-associated truncating variants downstream of this position have been reported. Heterozygous loss of function leading to haploinsufficiency of the TBX3 gene is an established mechanism of disease. Using ACMG guidelines, this variant was classified as likely pathogenic for autosomal dominant ulnar-mammary syndrome (ACMG evidence codes used: PVS1, PM2_supporting).